The following is an entry in ClinVar:

NM_001943.5(DSG2):c.355C>T (p.Arg119Ter)

Gene: DSG2 (desmoglein 2; plus strand). Cytogenetic location: 18q12.1.
Variant type: single nucleotide variant.
Coding change: c.355C>T on transcript NM_001943.5 (MANE Select); coding-DNA position 355, C replaced by T.
Protein change: p.Arg119Ter; replaces arginine 119 with a stop codon.
Molecular consequence: nonsense.
Genome position (GRCh38, 1-based): chr18:31,520,941, C>T. VCF-style: chr18-31520941-C-T. GRCh37 (hg19) VCF-style: chr18-29100904-C-T.
Other names: c.355C>T (NM_001943.3); short protein forms R119*.
Identifiers: ClinVar variation 1171153 (VCV001171153.18), dbSNP rs753052874, ClinGen allele CA048420.

ClinVar aggregate classification (germline): Conflicting classifications of pathogenicity. Review status: criteria provided, conflicting classifications (1 of 4 stars). 10 submissions from 10 submitters: Pathogenic (5); Likely pathogenic (1); Uncertain significance (2). 2 of the submissions do not count toward it. Last evaluated 2025-12-01.

Conditions:
Cardiovascular phenotype. Identifiers: MedGen CN230736.
Arrhythmogenic right ventricular cardiomyopathy (ARVD). Also called: Arrhythmogenic cardiomyopathy; Arrhythmogenic Right Ventricular Cardiomyopathy (ARVC); Cardiomyopathy, ARVC; Arrhythmogenic right ventricular dysplasia. Identifiers: Orphanet 247, MedGen C0349788, MeSH D019571, MONDO:0016587. Disease mechanism: loss of function. Inheritance: Various modes of inheritance.
Cardiomyopathy (CMYO). Also called: Cardiomyopathies. Identifiers: Orphanet 167848, MedGen C0878544, MONDO:0004994, HP:0001638. Inheritance: Various modes of inheritance.
Arrhythmogenic right ventricular dysplasia 10. Also called: Arrhythmogenic right ventricular dysplasia/cardiomyopathy, type 10; ARRHYTHMOGENIC RIGHT VENTRICULAR DYSPLASIA, FAMILIAL, 10; Arrhythmogenic Right Ventricular Dysplasia/Cardiomyopathy10. Identifiers: MedGen C1857777, MONDO:0012434, OMIM 610193.
Dilated cardiomyopathy 1BB (CMD1BB). Also called: CARDIOMYOPATHY, DILATED, 1BB, SUSCEPTIBILITY TO. Identifiers: Orphanet 154, MedGen C2752072, MONDO:0013030, OMIM 612877.

Allele frequency attached by ClinVar (database versions not stated): TOPMed below 0.00001; gnomAD 0.00001; gnomAD exomes 0.00001; ExAC 0.00003.
gnomAD v4.1: 15 of 1,613,470 alleles (0.00093%); highest among the groups gnomAD compares: East Asian, 0.02%; no homozygotes.

Submissions (10):

GeneDx
Classification: Pathogenic. Last evaluated: 2025-12-01. Review status: criteria provided, single submitter. Criteria: GeneDx Variant Classification Process June 2021. Collection method: clinical testing. Allele origin: germline.
Comment: Nonsense variant predicted to result in protein truncation or nonsense mediated decay in a gene for which loss of function is a known mechanism of disease; Not observed at significant frequency in large population cohorts (gnomAD); This variant is associated with the following publications: (PMID: 37728764, 39706847, 33949662, 31638835, 33087929, 32877757, 32686758, 34500006)

Labcorp Genetics (formerly Invitae), Labcorp
Classification: Pathogenic for Arrhythmogenic right ventricular dysplasia 10. Last evaluated: 2025-11-08. Review status: criteria provided, single submitter. Criteria: Invitae Variant Classification Sherloc (09022015). Collection method: clinical testing. Allele origin: germline.
Comment: This sequence change creates a premature translational stop signal (p.Arg119*) in the DSG2 gene. It is expected to result in an absent or disrupted protein product. Loss-of-function variants in DSG2 are known to be pathogenic (PMID: 17105751, 31386562). This variant is present in population databases (rs753052874, gnomAD 0.01%). This premature translational stop signal has been observed in individual(s) with DSG2-related conditions (PMID: 34500006). ClinVar contains an entry for this variant (Variation ID: 1171153). For these reasons, this variant has been classified as Pathogenic.

Women's Health and Genetics/Laboratory Corporation of America, LabCorp
Classification: Pathogenic for Cardiomyopathy. Last evaluated: 2025-10-06. Review status: criteria provided, single submitter. Criteria: LabCorp Variant Classification Summary - May 2015. Collection method: clinical testing. Allele origin: germline.
Comment: Variant summary: DSG2 c.355C>T (p.Arg119X) results in a premature termination codon, predicted to cause a truncation of the encoded protein or absence of the protein due to nonsense mediated decay, which are commonly known mechanisms for disease. The variant allele was found at a frequency of 1.2e-05 in 248512 control chromosomes. c.355C>T has been observed in individual(s) affected with Cardiomyopathy (Wu_2022). To our knowledge, no experimental evidence demonstrating an impact on protein function has been reported. The following publication have been ascertained in the context of this evaluation (PMID: 34500006). ClinVar contains an entry for this variant (Variation ID: 1171153). Based on the evidence outlined above, the variant was classified as pathogenic.

All of Us Research Program, National Institutes of Health
Classification: Uncertain significance for Arrhythmogenic right ventricular cardiomyopathy. Last evaluated: 2024-03-24. Review status: criteria provided, single submitter. Criteria: ACMG Guidelines, 2015. Collection method: clinical testing. Allele origin: germline. Inheritance: Autosomal dominant inheritance. Observed: 2 variant alleles, 2 heterozygotes.
Comment: This variant changes 1 nucleotide in exon 4 of the DSG2 gene, creating a premature translation stop signal. This variant is expected to result in an absent or non-functional protein product. This variant has been reported to be homozygous in an individual affected with arrhythmogenic right ventricular cardiomyopathy, as well as in the unaffected heterozygous parents (PMID: 32877757, 33949662). Cardiomyocytes derived from the homozygous individual exhibited abnormal electrical activity, structural fragility, reduced contraction force, disrupted desmosomes, and disorganized myocardial fibers. These phenotypes were rescued in an isogenic line carrying a heterozygously repaired allele (PMID: 33949662). This variant has also been observed in another individual from a cohort of participants in a rare disease genome sequencing study who were not known to have an inherited cardiac condition (PMID: 32686758). This variant has been identified in 3/248512 chromosomes in the general population by the Genome Aggregation Database (gnomAD). Although there is a suspicion for a pathogenic role, clinical relevance of loss-of-function DSG2 truncation and splice variants in autosomal dominant arrhythmogenic cardiomyopathy is not yet clearly established. The available evidence is insufficient to determine the role of this variant in disease conclusively. Therefore, this variant is classified as a Variant of Uncertain Significance.

This study involves interpretation of variants in research participants for the purpose of population health screening. Participant phenotype was not available at the time of variant classification. Additional details can be found in publication PMID: 35346344, PMCID: PMC8962531

Fulgent Genetics
Classification: Likely pathogenic for Arrhythmogenic right ventricular dysplasia 10; Dilated cardiomyopathy 1BB. Last evaluated: 2024-03-18. Review status: criteria provided, single submitter. Criteria: ACMG Guidelines, 2015. Collection method: clinical testing. Allele origin: germline.

Color Diagnostics, LLC DBA Color Health
Classification: Uncertain significance for Cardiomyopathy. Last evaluated: 2024-02-22. Review status: criteria provided, single submitter. Criteria: ACMG Guidelines, 2015. Collection method: clinical testing. Allele origin: germline.
Comment: This variant changes 1 nucleotide in exon 4 of the DSG2 gene, creating a premature translation stop signal. This variant is expected to result in an absent or non-functional protein product. This variant has been reported to be homozygous in an individual affected with arrhythmogenic right ventricular cardiomyopathy, as well as in the unaffected heterozygous parents (PMID: 32877757, 33949662). Cardiomyocytes derived from the homozygous individual exhibited abnormal electrical activity, structural fragility, reduced contraction force, disrupted desmosomes, and disorganized myocardial fibers. These phenotypes were rescued in an isogenic line carrying a heterozygously repaired allele (PMID: 33949662). This variant has also been observed in another individual from a cohort of participants in a rare disease genome sequencing study who were not known to have an inherited cardiac condition (PMID: 32686758). This variant has been identified in 3/248512 chromosomes in the general population by the Genome Aggregation Database (gnomAD). Although there is a suspicion for a pathogenic role, clinical relevance of loss-of-function DSG2 truncation and splice variants in autosomal dominant arrhythmogenic cardiomyopathy is not yet clearly established. The available evidence is insufficient to determine the role of this variant in disease conclusively. Therefore, this variant is classified as a Variant of Uncertain Significance.

Ambry Genetics
Classification: Pathogenic for Cardiovascular phenotype. Last evaluated: 2018-12-19. Review status: criteria provided, single submitter. Criteria: Ambry Variant Classification Scheme 2023. Collection method: clinical testing. Allele origin: germline.
Comment: The p.R119* pathogenic mutation (also known as c.355C>T), located in coding exon 4 of the DSG2 gene, results from a C to T substitution at nucleotide position 355. This changes the amino acid from an arginine to a stop codon within coding exon 4. This alteration is expected to result in loss of function by premature protein truncation or nonsense-mediated mRNA decay. As such, this alteration is interpreted as a disease-causing mutation.

Juno Genomics, Hangzhou Juno Genomics, Inc
Classification: Pathogenic for Arrhythmogenic right ventricular dysplasia 10; Dilated cardiomyopathy 1BB. Review status: criteria provided, single submitter. Criteria: ACMG Guidelines, 2015. Collection method: clinical testing. Allele origin: germline.
Comment: Absent from controls (or at extremely low frequency if recessive) in Genome Aggregation Database.;Null variant in a gene where loss of function (LOF) is a known mechanism of disease.;For recessive disorders, detected in trans with a pathogenic variant.

Medical Genome Center, National Cerebral and Cardiovascular Center
Classification: Pathogenic for Arrhythmogenic right ventricular dysplasia 10. Last evaluated: 2025-03-01. Review status: no assertion criteria provided. Collection method: clinical testing. Allele origin: germline. Affected: yes. Not counted in ClinVar's aggregate classification.
Comment: NM_001943.5:c.355C>T causes nonsense variant, p.Arg119*. The variant alone is rarely the cause of ARVC. However, an additional DSG2 variant can be a cause of ARVC (PMID: 40115818)

OMIM
Classification: Pathogenic for CARDIOMYOPATHY, DILATED, 1BB. Last evaluated: 2022-04-22. Review status: no assertion criteria provided. Collection method: literature only. Allele origin: germline. Not counted in ClinVar's aggregate classification.

Literature cited by the submitters: PubMed 17105751 (cited by Labcorp Genetics (formerly Invitae), Labcorp); PubMed 31386562 (cited by Labcorp Genetics (formerly Invitae), Labcorp); PubMed 34500006 (cited by Labcorp Genetics (formerly Invitae), Labcorp and Women's Health and Genetics/Laboratory Corporation of America, LabCorp); PubMed 32686758 (cited by All of Us Research Program, National Institutes of Health and Color Diagnostics, LLC DBA Color Health); PubMed 32877757 (cited by All of Us Research Program, National Institutes of Health and Color Diagnostics, LLC DBA Color Health); PubMed 33949662 (cited by 3 submitters); PubMed 40115818 (cited by Medical Genome Center, National Cerebral and Cardiovascular Center).